The following is an entry in ClinVar:

NM_001363711.2(DUOX2):c.1405G>A (p.Glu469Lys)

Gene: DUOX2 (dual oxidase 2; minus strand). Cytogenetic location: 15q21.1.
Variant type: single nucleotide variant.
Coding change: c.1405G>A on transcript NM_001363711.2 (MANE Select); coding-DNA position 1405, G replaced by A.
Protein change: p.Glu469Lys; replaces glutamic acid 469 with lysine.
Molecular consequence: missense variant.
Genome position (GRCh38, 1-based): chr15:45,108,216, C>T on the plus strand (G>A on the coding strand, the complement: DUOX2 is on the minus strand). VCF-style: chr15-45108216-C-T. GRCh37 (hg19) VCF-style: chr15-45400414-C-T.
Other names: c.1405G>A, p.Glu469Lys (NM_014080.5); short protein forms E469K.
Identifiers: ClinVar variation 2962085 (VCV002962085.3), dbSNP rs757747516, ClinGen allele CA392276694.

ClinVar aggregate classification (germline): Uncertain significance (1 of 4 stars; one submission).

Submission:

Labcorp Genetics (formerly Invitae), Labcorp
Classification: Uncertain significance. Last evaluated: 2025-03-04. Review status: criteria provided, single submitter. Criteria: Invitae Variant Classification Sherloc (09022015). Collection method: clinical testing. Allele origin: germline.
Comment: This sequence change replaces glutamic acid, which is acidic and polar, with lysine, which is basic and polar, at codon 469 of the DUOX2 protein (p.Glu469Lys). This variant is not present in population databases (gnomAD no frequency). This variant has not been reported in the literature in individuals affected with DUOX2-related conditions. ClinVar contains an entry for this variant (Variation ID: 2962085). Invitae Evidence Modeling of protein sequence and biophysical properties (such as structural, functional, and spatial information, amino acid conservation, physicochemical variation, residue mobility, and thermodynamic stability) indicates that this missense variant is not expected to disrupt DUOX2 protein function with a negative predictive value of 80%. In summary, the available evidence is currently insufficient to determine the role of this variant in disease. Therefore, it has been classified as a Variant of Uncertain Significance.